The following is an entry in ClinVar:

NM_006514.4(SCN10A):c.1461+5G>C

Gene: SCN10A (sodium voltage-gated channel alpha subunit 10; minus strand). Cytogenetic location: 3p22.2.
Variant type: single nucleotide variant.
Coding change: c.1461+5G>C on transcript NM_006514.4 (MANE Select); 5 bases into the intron after coding-DNA position 1461, G replaced by C.
Molecular consequence: intron variant.
Genome position (GRCh38, 1-based): chr3:38,755,783, C>G on the plus strand (G>C on the coding strand, the complement: SCN10A is on the minus strand). VCF-style: chr3-38755783-C-G. GRCh37 (hg19) VCF-style: chr3-38797274-C-G.
Other names: c.1461+5G>C (NM_001293307.2, NM_001293306.2).
Identifiers: ClinVar variation 931590 (VCV000931590.3), dbSNP rs2063796662, ClinGen allele CA1139657963.
Genomic context (GRCh38, chr3:38,755,783, plus strand): 5'-CAACTCATTGTCTACGGCAGCTGCAATGGTGGGTAATCTTTAGAGCACAAACCTGAGCCT[C>G]TTACCATCCTGCGCTGGTTGTAAGGATCAGAGCGGGGTGATTTGTTGTCTTCTGTGGAGC-3'

ClinVar aggregate classification (germline): Uncertain significance (1 of 4 stars; one submission).

Conditions:
Episodic pain syndrome, familial, 2 (FEPS2). Identifiers: Orphanet 306577, MedGen C3809893, MONDO:0014246, OMIM 615551.

Allele frequency attached by ClinVar (database versions not stated): gnomAD exomes below 0.00001.
gnomAD v4.1: 2 of 1,613,340 alleles (0.00012%); highest among the groups gnomAD compares: Non-Finnish European, 0.00017%; no homozygotes.

Submission:

Centre for Mendelian Genomics, University Medical Centre Ljubljana
Classification: Uncertain significance for Episodic pain syndrome, familial, 2. Last evaluated: 2019-08-20. Review status: criteria provided, single submitter. Criteria: ACMG Guidelines, 2015. Collection method: clinical testing. Allele origin: unknown. Affected: yes.
Comment: This variant was classified as: Uncertain significance. The available evidence on this variant's pathogenicity is insufficient or conflicting. The following ACMG criteria were applied in classifying this variant: PM2,PP3.